The following is an entry in ClinVar:

NM_181882.3(PRX):c.2404_2412del (p.Pro802_Met804del)

Gene: PRX (periaxin; minus strand). Cytogenetic location: 19q13.2.
Variant type: Deletion.
Coding change: c.2404_2412del on transcript NM_181882.3 (MANE Select); coding-DNA positions 2404 to 2412, 9 bases deleted (CCCAAGATG; older notation c.2404_2412delCCCAAGATG).
Protein change: p.Pro802_Met804del.
Molecular consequence: inframe deletion. On other transcripts: 3 prime UTR variant (1), inframe indel (1).
Genome position (GRCh38, 1-based): chr19:40,395,940-40,395,948, CATCTTGGG deleted on the plus strand (CCCAAGATG on the coding strand, the reverse complement: PRX is on the minus strand); deleting any 9 consecutive bases within chr19:40,395,940-40,395,955 gives the same sequence; the c. name uses the placement nearest the transcript's 3' end. VCF-style (leftmost placement, unchanged base first): chr19-40395939-TCATCTTGGG-T. GRCh37 (hg19) VCF-style: chr19-40901846-TCATCTTGGG-T.
Other names: c.2404_2412del9 (NM_181882.2); c.2689_2697del, p.Pro897_Met899del (NM_001411127.1); c.*2609_*2617del (NM_020956.2); c.2397_2405delCAAGATGCC, p.Pro802_Met804del (NM_181882.2).
Identifiers: ClinVar variation 2684315 (VCV002684315.2), dbSNP rs2514803415, ClinGen allele CA2697556588.

ClinVar aggregate classification (germline): Uncertain significance. Review status: criteria provided, multiple submitters, no conflicts (2 of 4 stars). 2 submissions from 2 submitters: Uncertain significance (2). Last evaluated 2026-06-02.

Conditions:
PRX-related disorder. Also called: PRX-related condition; PRX-Related Disorders.

Submissions (2):

PreventionGenetics, part of Exact Sciences
Classification: Uncertain significance for PRX-related condition. Last evaluated: 2026-06-02. Review status: criteria provided, single submitter. Criteria: ACMG Guidelines, 2015. Collection method: clinical testing. Allele origin: germline.
Comment: The PRX c.2404_2412del9 variant is predicted to result in an in-frame deletion (p.Pro802_Met804del). To our knowledge, this variant has not been reported in the literature or in a large population database (gnomAD), indicating this variant is rare. At this time, the clinical significance of this variant is uncertain due to the absence of conclusive functional and genetic evidence.

Athena Diagnostics
Classification: Uncertain significance. Last evaluated: 2023-08-23. Review status: criteria provided, single submitter. Criteria: Athena Diagnostics Criteria. Collection method: clinical testing. Allele origin: unknown.
Comment: Available data are insufficient to determine the clinical significance of the variant at this time. This variant has not been reported in large, multi-ethnic general populations. Computational tools yielded predictions that this variant is unlikely to have an effect on normal RNA splicing.